The following is an entry in ClinVar:

NM_004998.4(MYO1E):c.3094_3097del (p.Thr1032fs)

Genes: MYO1E (myosin IE; minus strand), LOC112272600 (Sharpr-MPRA regulatory region 4265; plus strand). Cytogenetic location: 15q22.2.
Variant type: Microsatellite.
Coding change: c.3094_3097del on transcript NM_004998.4 (MANE Select); coding-DNA positions 3094 to 3097, 4 bases deleted (ACAA; older notation c.3094_3097delACAA).
Protein change: p.Thr1032fs; shifts the reading frame from threonine 1032.
Molecular consequence: frameshift variant.
Genome position (GRCh38, 1-based): chr15:59,138,351-59,138,354, TTGT deleted on the plus strand (ACAA on the coding strand, the reverse complement: MYO1E is on the minus strand); deleting any 4 consecutive bases within chr15:59,138,351-59,138,358 gives the same sequence; the c. name uses the placement nearest the transcript's 3' end. VCF-style (leftmost placement, unchanged base first): chr15-59138350-GTTGT-G. GRCh37 (hg19) VCF-style: chr15-59430549-GTTGT-G.
Other names: short protein forms T1032fs.
Identifiers: ClinVar variation 988197 (VCV000988197.1), dbSNP rs2079386835, ClinGen allele CA2180731675.

ClinVar aggregate classification (germline): Likely pathogenic (0 of 4 stars; one submission).

Conditions:
Nephrotic syndrome. Identifiers: MedGen C0027726, MONDO:0005377, HP:0000100.

Submission:

Sydney Genome Diagnostics, Children's Hospital Westmead
Classification: Likely pathogenic for Nephrotic syndrome. Last evaluated: 2014-04-18. Review status: no assertion criteria provided. Collection method: clinical testing. Allele origin: unknown. Affected: yes. Observed: 1 variant allele, 1 compound heterozygote.
Comment: To our knowledge, this variant has not been reported as being associated with disease in the literature or any disease specific databases. However, this variant (dbSNP: rs781347673) has been previously reported in the in the gnomAD browser with a very low minor allele frequency of 0.0004% (1 out of 246218 alleles). In silico analysis (through Alamut Visual v2.8.1) using PolyPhen2, SIFT and MutationTaster all predict this variant to be a likely pathogenic variant. However, this analysis alone cannot be used to confirm pathogenicity. The c.1567C>T p.(Arg523Trp) variant is considered to be likely pathogenic according to the ACMG guidelines.